The following is an entry in ClinVar:

NM_000836.4(GRIN2D):c.3658C>T (p.Pro1220Ser)

Gene: GRIN2D (glutamate ionotropic receptor NMDA type subunit 2D; plus strand). Cytogenetic location: 19q13.33.
Variant type: single nucleotide variant.
Coding change: c.3658C>T on transcript NM_000836.4 (MANE Select); coding-DNA position 3658, C replaced by T.
Protein change: p.Pro1220Ser; replaces proline 1220 with serine.
Molecular consequence: missense variant.
Genome position (GRCh38, 1-based): chr19:48,443,584, C>T. VCF-style: chr19-48443584-C-T. GRCh37 (hg19) VCF-style: chr19-48946841-C-T.
Other names: short protein forms P1220S.
Identifiers: ClinVar variation 2797892 (VCV002797892.3), dbSNP rs2513693779, ClinGen allele CA406677391.

ClinVar aggregate classification (germline): Uncertain significance (1 of 4 stars; one submission).

Allele frequency attached by ClinVar (database versions not stated): gnomAD exomes 0.00001.
gnomAD v4.1: 8 of 1,185,878 alleles (0.00067%); highest among the groups gnomAD compares: Non-Finnish European, 0.00073%; no homozygotes.

Submission:

Labcorp Genetics (formerly Invitae), Labcorp
Classification: Uncertain significance. Last evaluated: 2024-03-09. Review status: criteria provided, single submitter. Criteria: Invitae Variant Classification Sherloc (09022015). Collection method: clinical testing. Allele origin: germline.
Comment: This sequence change replaces proline, which is neutral and non-polar, with serine, which is neutral and polar, at codon 1220 of the GRIN2D protein (p.Pro1220Ser). The frequency data for this variant in the population databases is considered unreliable, as metrics indicate insufficient coverage at this position in the gnomAD database. This variant has not been reported in the literature in individuals affected with GRIN2D-related conditions. Advanced modeling of protein sequence and biophysical properties (such as structural, functional, and spatial information, amino acid conservation, physicochemical variation, residue mobility, and thermodynamic stability) performed at Invitae indicates that this missense variant is not expected to disrupt GRIN2D protein function with a negative predictive value of 95%. In summary, the available evidence is currently insufficient to determine the role of this variant in disease. Therefore, it has been classified as a Variant of Uncertain Significance.